The following continues an entry in ClinVar:

NM_007294.4(BRCA1):c.1441C>G (p.Leu481Val)

Gene: BRCA1. ClinVar aggregate classification (germline): Conflicting classifications of pathogenicity. Uncertain significance (8); Likely benign (2).

Submissions 9 to 13 of 13:

Color Diagnostics, LLC DBA Color Health
Classification: Uncertain significance for Hereditary cancer-predisposing syndrome. Last evaluated: 2021-08-03. Review status: criteria provided, single submitter. Criteria: ACMG Guidelines, 2015. Collection method: clinical testing. Allele origin: germline.
Comment: This missense variant replaces leucine with valine at codon 481 of the BRCA1 protein. Computational prediction is inconclusive regarding the impact of this variant on protein structure and function (internally defined REVEL score threshold 0.5 < inconclusive < 0.7, PMID: 27666373). To our knowledge, functional studies have not been reported for this variant. This variant has been detected in at least three individuals affected with breast and/or ovarian cancer (PMID: 32772980, 33471991; Leiden Open Variation Database DB-ID BRCA1_001798) and in one hereditary breast and ovarian cancer family that also has an unspecified pathogenic BRCA1 covariant (PMID: 24916970). This variant has not been identified in the general population by the Genome Aggregation Database (gnomAD). The available evidence is insufficient to determine the role of this variant in disease conclusively. Therefore, this variant is classified as a Variant of Uncertain Significance.

Mendelics
Classification: Uncertain significance for Breast-ovarian cancer, familial, susceptibility to, 1. Last evaluated: 2019-05-28. Review status: criteria provided, single submitter. Criteria: Mendelics Assertion Criteria 2017. Collection method: clinical testing. Allele origin: unknown.

Department of Medical and Surgical Sciences, University of Bologna
Classification: Likely benign for Breast-ovarian cancer, familial, susceptibility to, 1. Last evaluated: 2023-09-01. Review status: no assertion criteria provided. Collection method: clinical testing. Allele origin: germline. Affected: yes. Not counted in ClinVar's aggregate classification.
Comment: PM2(Supporting)+BP1(Strong) according to ACMG/AMP classification guidelines specified for BRCA1 & BRCA2 (Classification Criteria V1.0.0 2023-09-08) (PMID: 38160042)

Foulkes Cancer Genetics LDI, Lady Davis Institute for Medical Research
Classification: Likely benign for Breast and/or ovarian cancer. Last evaluated: 2013-06-03. Review status: no assertion criteria provided. Collection method: clinical testing. Allele origin: germline. Study: The Canadian Open Genetics Repository (COGR). Not counted in ClinVar's aggregate classification.

Department of Pathology and Laboratory Medicine, Sinai Health System
Classification: Likely benign for Malignant tumor of breast. Review status: no assertion criteria provided. Collection method: clinical testing. Allele origin: unknown. Affected: yes. Study: The Canadian Open Genetics Repository (COGR). Not counted in ClinVar's aggregate classification.
Comment: The p.Leu481Val variant was not identified in the literature but was identified one time in the UMD as an unclassified variant which co-occurred with a known pathogenic mutation in BRCA1 (BRCA1 c.1916T>A (p.Leu639X)), increasing the likelihood that it does not have clinical significance. The p.Leu481 residue is conserved in mammals but not in lower organisms, and computational analyses (PolyPhen2, SIFT, AlignGVGD, BLOSUM) provide inconsistent predictions regarding the impact to the protein. Although the p.Leu481Val variant is not located in a known consensus sequence, 3 out of 5 computational prediction software programs (SpliceSiteFinder, MaxEntScan, NNSPLICE, GeneSplicer, HumanSpliceFinder) predict the creation of a splice donor site at this nucleotide position; however, it should be noted that these computational predictions are not very predictive of pathogenicity. In summary, based on the above information the clinical significance of this variant cannot be determined with certainty at this time although we would lean towards a more benign role for this variant. This variant is classified as predicted benign.Â¬â€

Literature cited by the submitters: PubMed 24916970 (cited by 4 submitters); PubMed 32772980 (cited by 4 submitters); PubMed 34981296 (cited by Women's Health and Genetics/Laboratory Corporation of America, LabCorp and Labcorp Genetics (formerly Invitae), Labcorp); PubMed 25682074 (cited by Ambry Genetics); PubMed 33471991 (cited by All of Us Research Program, National Institutes of Health and Color Diagnostics, LLC DBA Color Health).